The following is an entry in ClinVar:

NM_000038.6(APC):c.5794A>G (p.Thr1932Ala)

Gene: APC (APC regulator of Wnt signaling pathway; plus strand). Cytogenetic location: 5q22.2.
Variant type: single nucleotide variant.
Coding change: c.5794A>G on transcript NM_000038.6 (MANE Select); coding-DNA position 5794, A replaced by G.
Protein change: p.Thr1932Ala; replaces threonine 1932 with alanine.
Molecular consequence: missense variant.
Genome position (GRCh38, 1-based): chr5:112,841,388, A>G. VCF-style: chr5-112841388-A-G. GRCh37 (hg19) VCF-style: chr5-112177085-A-G.
Other names: c.5794A>G, p.Thr1932Ala (NM_001127510.3, NM_001354895.2); c.5740A>G, p.Thr1914Ala (NM_001127511.3); c.5848A>G, p.Thr1950Ala (NM_001354896.2); c.5824A>G, p.Thr1942Ala (NM_001354897.2); c.5719A>G, p.Thr1907Ala (NM_001354898.2); c.5710A>G, p.Thr1904Ala (NM_001354899.2); c.5671A>G, p.Thr1891Ala (NM_001354900.2); c.5617A>G, p.Thr1873Ala (NM_001354901.2); and 5 more; short protein forms T1914A, T1932A, T1649A, T1841A, T1904A, T1942A, T1772A, T1891A.
Identifiers: ClinVar variation 490321 (VCV000490321.11), dbSNP rs777604445, ClinGen allele CA16034009.
Genomic context (GRCh38, chr5:112,841,388, plus strand): 5'-GCTATTGCAAAGCAGCCAATAAATCGAGGTCAGCCTAAACCCATACTTCAGAAACAATCC[A>G]CTTTTCCCCAGTCATCCAAAGACATACCAGACAGAGGGGCAGCAACTGATGAAAAGTTAC-3'
Protein context (NP_000029.2, residues 1922-1942): QPKPILQKQS[Thr1932Ala]FPQSSKDIPD

ClinVar aggregate classification (germline): Uncertain significance. Review status: criteria provided, multiple submitters, no conflicts (2 of 4 stars). 3 submissions from 3 submitters: Uncertain significance (3). Last evaluated 2022-09-27.

Conditions:
Hereditary cancer-predisposing syndrome. Also called: Hereditary Cancer Syndrome; Neoplastic Syndromes, Hereditary; Tumor predisposition; Hereditary neoplastic syndrome. Identifiers: Orphanet 140162, MedGen C0027672, MeSH D009386, MONDO:0015356.
Familial adenomatous polyposis 1 (FAP1). Also called: POLYPOSIS, ADENOMATOUS INTESTINAL; FAMILIAL ADENOMATOUS POLYPOSIS 1, ATTENUATED. Identifiers: MedGen C2713442, MONDO:0021056, OMIM 175100. Disease mechanism: loss of function.

Submissions (3):

Ambry Genetics
Classification: Uncertain significance for Hereditary cancer-predisposing syndrome. Last evaluated: 2022-09-27. Review status: criteria provided, single submitter. Criteria: Ambry Variant Classification Scheme 2023. Collection method: clinical testing. Allele origin: germline.
Comment: The p.T1932A variant (also known as c.5794A>G), located in coding exon 15 of the APC gene, results from an A to G substitution at nucleotide position 5794. The threonine at codon 1932 is replaced by alanine, an amino acid with similar properties. This amino acid position is well conserved in available vertebrate species; however, alanine is the reference amino acid in other vertebrate species. In addition, in silico predictors for this gene do not accurately predict pathogenicity. Since supporting evidence is limited at this time, the clinical significance of this alteration remains unclear.

Labcorp Genetics (formerly Invitae), Labcorp
Classification: Uncertain significance for Familial adenomatous polyposis 1. Last evaluated: 2022-07-06. Review status: criteria provided, single submitter. Criteria: Invitae Variant Classification Sherloc (09022015). Collection method: clinical testing. Allele origin: germline.
Comment: This variant has not been reported in the literature in individuals affected with APC-related conditions. In summary, the available evidence is currently insufficient to determine the role of this variant in disease. Therefore, it has been classified as a Variant of Uncertain Significance. Algorithms developed to predict the effect of missense changes on protein structure and function output the following: SIFT: "Tolerated"; PolyPhen-2: "Benign"; Align-GVGD: "Class C0". The alanine amino acid residue is found in multiple mammalian species, which suggests that this missense change does not adversely affect protein function. ClinVar contains an entry for this variant (Variation ID: 490321). This variant is not present in population databases (gnomAD no frequency). This sequence change replaces threonine, which is neutral and polar, with alanine, which is neutral and non-polar, at codon 1932 of the APC protein (p.Thr1932Ala).

Color Diagnostics, LLC DBA Color Health
Classification: Uncertain significance for Hereditary cancer-predisposing syndrome. Last evaluated: 2019-03-25. Review status: criteria provided, single submitter. Criteria: ACMG Guidelines, 2015. Collection method: clinical testing. Allele origin: germline.